The following is an entry in ClinVar:

ClinVar aggregate classification (germline): Uncertain significance. Review status: criteria provided, multiple submitters, no conflicts (2 of 4 stars). 2 submissions from 2 submitters: Uncertain significance (2). Last evaluated 2023-07-07.

Conditions:
Arrhythmogenic right ventricular cardiomyopathy (ARVD). Also called: Cardiomyopathy, ARVC; Arrhythmogenic right ventricular dysplasia; Arrhythmogenic Right Ventricular Cardiomyopathy (ARVC); Arrhythmogenic cardiomyopathy. Identifiers: Orphanet 247, MedGen C0349788, MeSH D019571, MONDO:0016587. Disease mechanism: loss of function. Inheritance: Various modes of inheritance.
Arrhythmogenic right ventricular dysplasia 10. Also called: Arrhythmogenic right ventricular dysplasia/cardiomyopathy, type 10; Arrhythmogenic Right Ventricular Dysplasia/Cardiomyopathy10; ARRHYTHMOGENIC RIGHT VENTRICULAR DYSPLASIA, FAMILIAL, 10. Identifiers: MedGen C1857777, MONDO:0012434, OMIM 610193.

Submissions (2):

Labcorp Genetics (formerly Invitae), Labcorp
Classification: Uncertain significance for Arrhythmogenic right ventricular dysplasia 10. Last evaluated: 2023-07-07. Review status: criteria provided, single submitter. Criteria: Invitae Variant Classification Sherloc (09022015). Collection method: clinical testing. Allele origin: germline.
Comment: This sequence change affects codon 27 of the DSG2 mRNA. It is a 'silent' change, meaning that it does not change the encoded amino acid sequence of the DSG2 protein. This variant also falls at the last nucleotide of exon 2, which is part of the consensus splice site for this exon. This variant is not present in population databases (gnomAD no frequency). This variant has not been reported in the literature in individuals affected with DSG2-related conditions. ClinVar contains an entry for this variant (Variation ID: 1438399). Variants that disrupt the consensus splice site are a relatively common cause of aberrant splicing (PMID: 17576681, 9536098). Algorithms developed to predict the effect of sequence changes on RNA splicing suggest that this variant may disrupt the consensus splice site. In summary, the available evidence is currently insufficient to determine the role of this variant in disease. Therefore, it has been classified as a Variant of Uncertain Significance.

All of Us Research Program, National Institutes of Health
Classification: Uncertain significance for Arrhythmogenic right ventricular cardiomyopathy. Last evaluated: 2023-05-16. Review status: criteria provided, single submitter. Criteria: ACMG Guidelines, 2015. Collection method: clinical testing. Allele origin: germline. Inheritance: Autosomal dominant inheritance. Observed: 1 variant allele, 1 heterozygote.
Comment: This variant is located in the DSG2 protein. To our knowledge, functional studies have not been reported for this variant. This variant has not been reported in individuals affected with DSG2-related disorders in the literature. This variant has not been identified in the general population by the Genome Aggregation Database (gnomAD). The available evidence is insufficient to determine the role of this variant in disease conclusively. Therefore, this variant is classified as a Variant of Uncertain Significance.

This study involves interpretation of variants in research participants for the purpose of population health screening. Participant phenotype was not available at the time of variant classification. Additional details can be found in publication PMID: 35346344, PMCID: PMC8962531

Literature cited by the submitters: PubMed 17576681 (cited by Labcorp Genetics (formerly Invitae), Labcorp); PubMed 9536098 (cited by Labcorp Genetics (formerly Invitae), Labcorp).

NM_001943.5(DSG2):c.81G>A (p.Gln27=)

Gene: DSG2 (desmoglein 2; plus strand). Cytogenetic location: 18q12.1.
Variant type: single nucleotide variant.
Coding change: c.81G>A on transcript NM_001943.5 (MANE Select); coding-DNA position 81, G replaced by A.
Protein change: p.Gln27=; no amino-acid change (glutamine 27 retained).
Molecular consequence: synonymous variant.
Genome position (GRCh38, 1-based): chr18:31,518,274, G>A. VCF-style: chr18-31518274-G-A. GRCh37 (hg19) VCF-style: chr18-29098237-G-A.
Identifiers: ClinVar variation 1438399 (VCV001438399.7), dbSNP rs2144311636, ClinGen allele CA503596337.
Genomic context (GRCh38, chr18:31,518,274, plus strand): 5'-AATATCAAATAATTTTATTTTACAGATCTGCTTTAACGTTGGAAGTGGACTTCACTTACA[G>A]GTGAGGAAACAAAGGGATTATTTCTGCCTTCTGACTCAGGAGGGTTAATTCCATGGCAAA-3'
Protein context (NP_001934.2, residues 17-37): CFNVGSGLHL[Gln27=]VLSTRNENKL